The following is an entry in ClinVar:

ClinVar aggregate classification (germline): Uncertain significance (1 of 4 stars; one submission).

Allele frequency attached by ClinVar (database versions not stated): gnomAD exomes 0.00001.
gnomAD v4.1: 5 of 1,614,228 alleles (0.00031%); highest among the groups gnomAD compares: Non-Finnish European, 0.00042%; no homozygotes.

Submission:

Labcorp Genetics (formerly Invitae), Labcorp
Classification: Uncertain significance. Last evaluated: 2022-03-03. Review status: criteria provided, single submitter. Criteria: Invitae Variant Classification Sherloc (09022015). Collection method: clinical testing. Allele origin: germline.
Comment: In summary, the available evidence is currently insufficient to determine the role of this variant in disease. Therefore, it has been classified as a Variant of Uncertain Significance. Algorithms developed to predict the effect of sequence changes on RNA splicing suggest that this variant may disrupt the consensus splice site. This variant has not been reported in the literature in individuals affected with LIPG-related conditions. This variant is not present in population databases (gnomAD no frequency). This sequence change affects a donor splice site in intron 7 of the LIPG gene. It is expected to disrupt RNA splicing. Variants that disrupt the donor or acceptor splice site typically lead to a loss of protein function (PMID: 16199547), however the current clinical and genetic evidence is not sufficient to establish whether loss-of-function variants in LIPG cause disease.

Literature cited by the submitters: PubMed 16199547.

NM_006033.4(LIPG):c.1157+2T>C

Gene: LIPG (lipase G, endothelial type; plus strand). Cytogenetic location: 18q21.1.
Variant type: single nucleotide variant.
Coding change: c.1157+2T>C on transcript NM_006033.4 (MANE Select); the canonical splice donor site of the intron after coding-DNA position 1157, T replaced by C.
Molecular consequence: splice donor variant.
Genome position (GRCh38, 1-based): chr18:49,582,484, T>C. VCF-style: chr18-49582484-T-C. GRCh37 (hg19) VCF-style: chr18-47108854-T-C.
Other names: c.935+2T>C (NM_001308006.2).
Identifiers: ClinVar variation 2105930 (VCV002105930.4), dbSNP rs2511306433, ClinGen allele CA402422138.